The following is an entry in ClinVar:

NM_001288705.3(CSF1R):c.173G>A (p.Trp58Ter)

Gene: CSF1R (colony stimulating factor 1 receptor; minus strand). Cytogenetic location: 5q32.
Variant type: single nucleotide variant.
Coding change: c.173G>A on transcript NM_001288705.3 (MANE Select); coding-DNA position 173, G replaced by A.
Protein change: p.Trp58Ter; replaces tryptophan 58 with a stop codon.
Molecular consequence: nonsense. On other transcripts: 5 prime UTR variant (1), non-coding transcript variant (2).
Genome position (GRCh38, 1-based): chr5:150,080,901, C>T on the plus strand (G>A on the coding strand, the complement: CSF1R is on the minus strand). VCF-style: chr5-150080901-C-T. GRCh37 (hg19) VCF-style: chr5-149460464-C-T.
Other names: c.173G>A, p.Trp58Ter (NM_001349736.2, NM_001375320.1, NM_005211.4); c.-272G>A (NM_001375321.1); short protein forms W58*.
Identifiers: ClinVar variation 2703602 (VCV002703602.3), dbSNP rs2481049607, ClinGen allele CA361736805.

ClinVar aggregate classification (germline): Pathogenic (1 of 4 stars; one submission).

Submission:

Labcorp Genetics (formerly Invitae), Labcorp
Classification: Pathogenic. Last evaluated: 2023-12-16. Review status: criteria provided, single submitter. Criteria: Invitae Variant Classification Sherloc (09022015). Collection method: clinical testing. Allele origin: germline.
Comment: This sequence change creates a premature translational stop signal (p.Trp58*) in the CSF1R gene. It is expected to result in an absent or disrupted protein product. Loss-of-function variants in CSF1R are known to be pathogenic (PMID: 22046273, 24120500, 24145216, 24336230, 30982608, 30982609). This variant is not present in population databases (gnomAD no frequency). This variant has not been reported in the literature in individuals affected with CSF1R-related conditions. For these reasons, this variant has been classified as Pathogenic.

Literature cited by the submitters: PubMed 22046273; PubMed 24120500; PubMed 24145216; PubMed 24336230; PubMed 30982608; PubMed 30982609.